The following is an entry in ClinVar:

ClinVar aggregate classification (germline): Uncertain significance (1 of 4 stars; one submission).

Conditions:
Cardiovascular phenotype. Identifiers: MedGen CN230736.

Allele frequency attached by ClinVar (database versions not stated): gnomAD exomes below 0.00001; TOPMed below 0.00001.
gnomAD v4.1: 2 of 1,551,736 alleles (0.00013%); highest among the groups gnomAD compares: Admixed American, 0.0039%; no homozygotes.

Submission:

Ambry Genetics
Classification: Uncertain significance for Cardiovascular phenotype. Last evaluated: 2023-11-12. Review status: criteria provided, single submitter. Criteria: Ambry Variant Classification Scheme 2023. Collection method: clinical testing. Allele origin: germline.
Comment: The p.P1072S variant (also known as c.3214C>T), located in coding exon 11 of the RBM20 gene, results from a C to T substitution at nucleotide position 3214. The proline at codon 1072 is replaced by serine, an amino acid with similar properties. This amino acid position is conserved. In addition, this alteration is predicted to be tolerated by in silico analysis. Since supporting evidence is limited at this time, the clinical significance of this alteration remains unclear.

NM_001134363.3(RBM20):c.3214C>T (p.Pro1072Ser)

Gene: RBM20 (RNA binding motif protein 20; plus strand). Cytogenetic location: 10q25.2.
Variant type: single nucleotide variant.
Coding change: c.3214C>T on transcript NM_001134363.3 (MANE Select); coding-DNA position 3214, C replaced by T.
Protein change: p.Pro1072Ser; replaces proline 1072 with serine.
Molecular consequence: missense variant.
Genome position (GRCh38, 1-based): chr10:110,821,833, C>T. VCF-style: chr10-110821833-C-T. GRCh37 (hg19) VCF-style: chr10-112581591-C-T.
Other names: short protein forms P1072S.
Identifiers: ClinVar variation 3233213 (VCV003233213.1), dbSNP rs984428006, ClinGen allele CA213229849.
Genomic context (GRCh38, chr10:110,821,833, plus strand): 5'-GCAGAGGAGAGGGCCCGGCAGCCAAGCCCATTTGTGGATGATTGCAAGACCAGGGGGACC[C>T]CCGAAGATGGGGCTTGTGAAGGCAGCCCCCTGGAGGAGAAAGCCAGCCCCCCCATCGAAA-3'
Protein context (NP_001127835.2, residues 1062-1082): FVDDCKTRGT[Pro1072Ser]EDGACEGSPL